The following is an entry in ClinVar:

ClinVar aggregate classification (germline): Conflicting classifications of pathogenicity. Review status: criteria provided, conflicting classifications (1 of 4 stars). 19 submissions from 18 submitters: Uncertain significance (13); Benign (1); Likely benign (3). 2 of the submissions do not count toward it. Last evaluated 2026-07-09.

Conditions:
Familial ovarian cancer. Identifiers: MedGen C5679802, MONDO:0016248.
RAD51C-related disorder. Also called: RAD51C-related condition; RAD51C-related disorders.
Breast and/or ovarian cancer. Identifiers: MedGen CN221562.
Fanconi anemia complementation group O. Also called: RAD51C-Related Fanconi Anemia. Identifiers: Orphanet 84, MedGen C3150653, MONDO:0013248, OMIM 613390.
Breast-ovarian cancer, familial, susceptibility to, 3. Also called: RAD51C-Related Breast/Ovarian Cancer. Identifiers: Orphanet 145, MedGen C3150659, MONDO:0013253, OMIM 613399.
Hereditary cancer-predisposing syndrome. Also called: Tumor predisposition; Neoplastic Syndromes, Hereditary; Hereditary neoplastic syndrome; Hereditary Cancer Syndrome. Identifiers: Orphanet 140162, MedGen C0027672, MeSH D009386, MONDO:0015356.
Hereditary breast ovarian cancer syndrome. Also called: Hereditary breast and ovarian cancer syndrome; Hereditary breast and ovarian cancer; Hereditary breast and ovarian cancer syndrome (HBOC); Hereditary breast and/or ovarian cancer syndrome; BRCA1- and BRCA2-Associated Hereditary Breast and Ovarian Cancer; Breast and ovarian cancer. Identifiers: Orphanet 145, MedGen C0677776, MeSH D061325, MONDO:0003582. Disease mechanism: loss of function.

Allele frequency attached by ClinVar (database versions not stated): ExAC 0.00005; gnomAD exomes 0.00006; TOPMed 0.00009.
gnomAD v4.1: 69 of 1,614,080 alleles (0.0043%); highest among the groups gnomAD compares: African/African-American, 0.004%; no homozygotes.

Submissions 1 to 10 of 19:

Catlab - Consorci Sanitari de Terrassa
Classification: Likely benign for Hereditary cancer-predisposing syndrome. Last evaluated: 2026-07-09. Review status: criteria provided, single submitter. Criteria: ACMG Guidelines, 2015. Collection method: clinical testing. Allele origin: germline.
Comment: Based on the currently available information, this variant is classified as Likely Benign according to Richards 2015 guidelines. ACMG criteria: BS3_mod, BP4_mod.

PreventionGenetics, part of Exact Sciences
Classification: Uncertain significance for RAD51C-related condition. Last evaluated: 2026-05-10. Review status: criteria provided, single submitter. Criteria: ACMG Guidelines, 2015. Collection method: clinical testing. Allele origin: germline.
Comment: The RAD51C c.134A>G variant is predicted to result in the amino acid substitution p.Glu45Gly. This variant has been reported as a variant of uncertain significance in individuals and families with breast and/or ovarian cancer (Romero et al. 2011. PubMed ID: 21537932; Osorio et al. 2012. PubMed ID: 22451500; Table S4, Bhai et al. 2021. PubMed ID: 34326862) as well as in an individual with kidney clear cell carcinoma (Supplementary Data 12, Lu et al. 2015. PubMed ID: 26689913). This alteration retained homology-directed repair (HDR) activity in a functional study indicating that this missense change does not substantially affect RAD51C function (Supplementary Table 1, Hu et al. 2023. PubMed ID: 37253112). This variant is reported in 0.12% of alleles in individuals of Ashkenazi Jewish descent in gnomAD and has conflicting interpretations regarding its pathogenicity in ClinVar, ranging from likely benign to uncertain (Variation ID: 140940). Although we suspect that this variant may be benign, at this time, the clinical significance of this variant is uncertain due to the absence of conclusive functional and genetic evidence.

Labcorp Genetics (formerly Invitae), Labcorp
Classification: Uncertain significance for Fanconi anemia complementation group O. Last evaluated: 2026-02-01. Review status: criteria provided, single submitter. Criteria: Invitae Variant Classification Sherloc (09022015). Collection method: clinical testing. Allele origin: germline.
Comment: This sequence change replaces glutamic acid, which is acidic and polar, with glycine, which is neutral and non-polar, at codon 45 of the RAD51C protein (p.Glu45Gly). This variant is present in population databases (rs587781383, gnomAD 0.1%). This missense change has been observed in individual(s) with breast cancer and/or kidney clear cell carcinoma (PMID: 21537932, 26689913, 34326862). ClinVar contains an entry for this variant (Variation ID: 140940). Invitae Evidence Modeling of protein sequence and biophysical properties (such as structural, functional, and spatial information, amino acid conservation, physicochemical variation, residue mobility, and thermodynamic stability) indicates that this missense variant is not expected to disrupt RAD51C protein function with a negative predictive value of 80%. Experimental studies have shown that this missense change does not substantially affect RAD51C function (PMID: 37253112). In summary, the available evidence is currently insufficient to determine the role of this variant in disease. Therefore, it has been classified as a Variant of Uncertain Significance.

Ambry Genetics
Classification: Benign for Hereditary cancer-predisposing syndrome. Last evaluated: 2025-10-08. Review status: criteria provided, single submitter. Criteria: Ambry Variant Classification Scheme 2023. Collection method: clinical testing. Allele origin: germline.

Women's Health and Genetics/Laboratory Corporation of America, LabCorp
Classification: Uncertain significance. Last evaluated: 2025-06-05. Review status: criteria provided, single submitter. Criteria: LabCorp Variant Classification Summary - May 2015. Collection method: clinical testing. Allele origin: germline.
Comment: Variant summary: RAD51C c.134A>G (p.Glu45Gly) results in a non-conservative amino acid change in the encoded protein sequence. Algorithms developed to predict the effect of missense changes on protein structure and function are either unavailable or do not agree on the potential impact of this missense change. The variant allele was found at a frequency of 6e-05 in 251372 control chromosomes. This frequency is not significantly higher than estimated for a pathogenic variant in RAD51C causing Hereditary Breast And Ovarian Cancer Syndrome (6e-05 vs 6.3e-05), allowing no conclusion about variant significance. c.134A>G has been reported in the literature in the TGCA cohort and among individuals with breast and/or ovarian cancer (example, Lu_2015, Romero_2011, Kushnir_2012, Bhai_2021). These report(s) do not provide unequivocal conclusions about association of the variant with Hereditary Breast And Ovarian Cancer Syndrome. At least one publication reports experimental evidence evaluating an impact on protein function. These results showed no damaging effect of this variant. The following publications have been ascertained in the context of this evaluation (PMID: 34326862, 37253112, 23117857, 26689913, 22451500, 21537932, 25470109). ClinVar contains an entry for this variant (Variation ID: 140940). Based on the evidence outlined above, the variant was classified as uncertain significance.

Quest Diagnostics Nichols Institute San Juan Capistrano
Classification: Uncertain significance. Last evaluated: 2025-04-28. Review status: criteria provided, single submitter. Criteria: Quest Diagnostics criteria. Collection method: clinical testing. Allele origin: unknown.
Comment: The RAD51C c.134A>G (p.Glu45Gly) variant has been reported in the published literature in individuals with breast cancer (PMID: 21537932 (2011), 34326862 (2021), see also LOVD) and ovarian cancer (PMID: 37253112 (2023)). Assessment of experimental evidence regarding the effect of this variant on protein function suggests it has no effect relevant to disease (PMID: 37253112 (2023)). The frequency of this variant in the general population (Genome Aggregation Database) is higher than would generally be expected for pathogenic variants in this gene. Analysis of this variant using bioinformatics tools for the prediction of the effect of amino acid changes on protein structure and function yielded predictions that this variant is benign. Based on the available information, we are unable to determine the clinical significance of this variant.

Molecular Pathology, Peter Maccallum Cancer Centre
Classification: Uncertain significance for Familial ovarian cancer. Last evaluated: 2025-02-20. Review status: criteria provided, single submitter. Criteria: ACMG Guidelines, 2015. Collection method: clinical testing. Allele origin: germline. Inheritance: Autosomal dominant inheritance.

Color Diagnostics, LLC DBA Color Health
Classification: Likely benign for Hereditary cancer-predisposing syndrome. Last evaluated: 2024-09-19. Review status: criteria provided, single submitter. Criteria: ACMG Guidelines, 2015. Collection method: clinical testing. Allele origin: germline.

GeneDx
Classification: Uncertain significance. Last evaluated: 2024-06-13. Review status: criteria provided, single submitter. Criteria: GeneDx Variant Classification Process June 2021. Collection method: clinical testing. Allele origin: germline. Affected: yes.
Comment: Published functional studies demonstrate no damaging effect: homology-directed repair activity similar to wildtype (PMID: 37253112); Observed in individuals with breast or renal cancer (PMID: 22451500, 26689913, 34326862, 33471991); In silico analysis supports that this missense variant has a deleterious effect on protein structure/function; This variant is associated with the following publications: (PMID: 25470109, 22451500, 21537932, 26689913, 29428283, 23117857, 33471991, 34326862, 37253112)

Fulgent Genetics
Classification: Uncertain significance for Fanconi anemia complementation group O; Breast-ovarian cancer, familial, susceptibility to, 3. Last evaluated: 2024-04-24. Review status: criteria provided, single submitter. Criteria: ACMG Guidelines, 2015. Collection method: clinical testing. Allele origin: germline.

NM_058216.3(RAD51C):c.134A>G (p.Glu45Gly)

Gene: RAD51C (RAD51 paralog C; plus strand). Cytogenetic location: 17q22.
Variant type: single nucleotide variant.
Coding change: c.134A>G on transcript NM_058216.3 (MANE Select); coding-DNA position 134, A replaced by G.
Protein change: p.Glu45Gly; replaces glutamic acid 45 with glycine.
Molecular consequence: missense variant. On other transcripts: non-coding transcript variant (1).
Genome position (GRCh38, 1-based): chr17:58,692,777, A>G. VCF-style: chr17-58692777-A-G. GRCh37 (hg19) VCF-style: chr17-56770138-A-G.
Other names: c.134A>G, p.Glu45Gly (NM_002876.4); short protein forms E45G.
Identifiers: ClinVar variation 140940 (VCV000140940.46), dbSNP rs587781383, ClinGen allele CA163967.